The following is an entry in ClinVar:

ClinVar aggregate classification (germline): Uncertain significance (1 of 4 stars; one submission).

Conditions:
Autosomal recessive limb-girdle muscular dystrophy type 2L (LGMDR12). Also called: MUSCULAR DYSTROPHY, LIMB-GIRDLE, AUTOSOMAL RECESSIVE 12; Limb-girdle muscular dystrophy, type 2L; Limb-Girdle Muscular Dystrophy R12 Anoctamin-5-Related (LGMD-R12). Identifiers: Orphanet 206549, MedGen C1969785, MONDO:0012652, OMIM 611307.
Gnathodiaphyseal dysplasia (GDD). Also called: GNATHODIAPHYSEAL SCLEROSIS; OSTEOGENESIS IMPERFECTA WITH UNUSUAL SKELETAL LESIONS. Identifiers: Orphanet 53697, MedGen C1833736, MONDO:0008151, OMIM 166260.

gnomAD v4.1: 2 of 1,613,484 alleles (0.00012%); highest among the groups gnomAD compares: Non-Finnish European, 0.00017%; no homozygotes.

Submission:

Labcorp Genetics (formerly Invitae), Labcorp
Classification: Uncertain significance for Autosomal recessive limb-girdle muscular dystrophy type 2L; Gnathodiaphyseal dysplasia. Last evaluated: 2018-04-10. Review status: criteria provided, single submitter. Criteria: Invitae Variant Classification Sherloc (09022015). Collection method: clinical testing. Allele origin: germline.
Comment: This sequence change replaces leucine with valine at codon 200 of the ANO5 protein (p.Leu200Val). The leucine residue is moderately conserved and there is a small physicochemical difference between leucine and valine. In summary, the available evidence is currently insufficient to determine the role of this variant in disease. Therefore, it has been classified as a Variant of Uncertain Significance. Algorithms developed to predict the effect of missense changes on protein structure and function (SIFT, PolyPhen-2, Align-GVGD) all suggest that this variant is likely to be tolerated, but these predictions have not been confirmed by published functional studies and their clinical significance is uncertain. This variant has not been reported in the literature in individuals with ANO5-related disease. This variant is not present in population databases (ExAC no frequency).

NM_213599.3(ANO5):c.598C>G (p.Leu200Val)

Gene: ANO5 (anoctamin 5; plus strand). Cytogenetic location: 11p14.3.
Variant type: single nucleotide variant.
Coding change: c.598C>G on transcript NM_213599.3 (MANE Select); coding-DNA position 598, C replaced by G.
Protein change: p.Leu200Val; replaces leucine 200 with valine.
Molecular consequence: missense variant.
Genome position (GRCh38, 1-based): chr11:22,227,536, C>G. VCF-style: chr11-22227536-C-G. GRCh37 (hg19) VCF-style: chr11-22249082-C-G.
Other names: c.595C>G, p.Leu199Val (NM_001142649.2); short protein forms L200V, L199V.
Identifiers: ClinVar variation 578323 (VCV000578323.9), dbSNP rs1323200040, ClinGen allele CA379919993.